The following is an entry in ClinVar:

ClinVar aggregate classification (germline): Conflicting classifications of pathogenicity. Review status: criteria provided, conflicting classifications (1 of 4 stars). 4 submissions from 4 submitters: Uncertain significance (3); Likely benign (1). Last evaluated 2026-01-27.

Conditions:
Inborn genetic diseases. Identifiers: MedGen C0950123, MeSH D030342.
Charcot-Marie-Tooth disease type 4. Also called: Charcot-Marie-Tooth disease, type IV; Charcot-Marie-Tooth, Type 4. Identifiers: Orphanet 64749, MedGen C4082197, MONDO:0018995.

Allele frequency attached by ClinVar (database versions not stated): gnomAD 0.00030 and 0.00035; TOPMed 0.00034; ESP Exome Variant Server 0.00062.
gnomAD v4.1: 77 of 1,614,062 alleles (0.0048%); highest among the groups gnomAD compares: African/African-American, 0.096%; no homozygotes.

Submissions (4):

Labcorp Genetics (formerly Invitae), Labcorp
Classification: Likely benign for Charcot-Marie-Tooth disease type 4. Last evaluated: 2026-01-27. Review status: criteria provided, single submitter. Criteria: Invitae Variant Classification Sherloc (09022015). Collection method: clinical testing. Allele origin: germline.

Ambry Genetics
Classification: Uncertain significance for Inborn genetic diseases. Last evaluated: 2025-06-16. Review status: criteria provided, single submitter. Criteria: Ambry Variant Classification Scheme 2023. Collection method: clinical testing. Allele origin: germline.

ARUP Laboratories, Molecular Genetics and Genomics, ARUP Laboratories
Classification: Uncertain significance. Last evaluated: 2023-12-20. Review status: criteria provided, single submitter. Criteria: ARUP Molecular Germline Variant Investigation Process 2024. Collection method: clinical testing. Allele origin: germline.
Comment: The SH3TC2 c.1172T>G; p.Leu391Arg variant (rs141544031), to our knowledge, is not reported in the medical literature but is reported in ClinVar (Variation ID: 546402). This variant is observed in the general population with an overall allele frequency of 0.008% (23/282762 alleles) in the Genome Aggregation Database (v2.1.1). Computational analyses are uncertain whether this variant is neutral or deleterious (REVEL: 0.256). Due to limited information, the clinical significance of this variant is uncertain at this time.

GeneDx
Classification: Uncertain significance. Last evaluated: 2019-07-12. Review status: criteria provided, single submitter. Criteria: GeneDx Variant Classification Process June 2021. Collection method: clinical testing. Allele origin: germline. Affected: yes.
Comment: In silico analysis, which includes protein predictors and evolutionary conservation, supports that this variant does not alter protein structure/function; Has not been previously published as pathogenic or benign to our knowledge

NM_024577.4(SH3TC2):c.1172T>G (p.Leu391Arg)

Gene: SH3TC2 (SH3 domain and tetratricopeptide repeats 2; minus strand). Cytogenetic location: 5q32.
Variant type: single nucleotide variant.
Coding change: c.1172T>G on transcript NM_024577.4 (MANE Select); coding-DNA position 1172, T replaced by G.
Protein change: p.Leu391Arg; replaces leucine 391 with arginine.
Molecular consequence: missense variant.
Genome position (GRCh38, 1-based): chr5:149,028,682, A>C on the plus strand (T>G on the coding strand, the complement: SH3TC2 is on the minus strand). VCF-style: chr5-149028682-A-C. GRCh37 (hg19) VCF-style: chr5-148408245-A-C.
Other names: short protein forms L391R.
Identifiers: ClinVar variation 546402 (VCV000546402.18), dbSNP rs141544031, ClinGen allele CA3499267.